The following is an entry in ClinVar:

NM_206933.4(USH2A):c.4883C>T (p.Thr1628Ile)

Gene: USH2A (usherin; minus strand). Cytogenetic location: 1q41.
Variant type: single nucleotide variant.
Coding change: c.4883C>T on transcript NM_206933.4 (MANE Select); coding-DNA position 4883, C replaced by T.
Protein change: p.Thr1628Ile; replaces threonine 1628 with isoleucine.
Molecular consequence: missense variant.
Genome position (GRCh38, 1-based): chr1:216,089,015, G>A on the plus strand (C>T on the coding strand, the complement: USH2A is on the minus strand). VCF-style: chr1-216089015-G-A. GRCh37 (hg19) VCF-style: chr1-216262357-G-A.
Other names: short protein forms T1628I.
Identifiers: ClinVar variation 3384233 (VCV003384233.1).

ClinVar aggregate classification (germline): Uncertain significance (1 of 4 stars; one submission).

gnomAD v4.1: 2 of 1,613,288 alleles (0.00012%); highest among the groups gnomAD compares: Admixed American, 0.0017%; no homozygotes.

Submission:

GeneDx
Classification: Uncertain significance. Last evaluated: 2024-06-06. Review status: criteria provided, single submitter. Criteria: GeneDx Variant Classification Process June 2021. Collection method: clinical testing. Allele origin: germline. Affected: yes.
Comment: Not observed at significant frequency in large population cohorts (gnomAD); In silico analysis supports that this missense variant has a deleterious effect on protein structure/function; Has not been previously published as pathogenic or benign to our knowledge